The following is an entry in ClinVar:

NM_001614.5(ACTG1):c.932A>T (p.Asp311Val)

Gene: ACTG1 (actin gamma 1; minus strand). Cytogenetic location: 17q25.3.
Variant type: single nucleotide variant.
Coding change: c.932A>T on transcript NM_001614.5 (MANE Select); coding-DNA position 932, A replaced by T.
Protein change: p.Asp311Val; replaces aspartic acid 311 with valine.
Molecular consequence: missense variant. On other transcripts: non-coding transcript variant (1).
Genome position (GRCh38, 1-based): chr17:81,510,979, T>A on the plus strand (A>T on the coding strand, the complement: ACTG1 is on the minus strand). VCF-style: chr17-81510979-T-A. GRCh37 (hg19) VCF-style: chr17-79478005-T-A.
Other names: c.932A>T, p.Asp311Val (NM_001199954.3); short protein forms D311V.
Identifiers: ClinVar variation 2581800 (VCV002581800.4), dbSNP rs2544387059, ClinGen allele CA401458971.

ClinVar aggregate classification (germline): Uncertain significance. Review status: criteria provided, multiple submitters, no conflicts (2 of 4 stars). 2 submissions from 2 submitters: Uncertain significance (2). Last evaluated 2023-05-25.

Conditions:
Autosomal dominant nonsyndromic hearing loss 20. Identifiers: Orphanet 90635, MedGen C1858172, MONDO:0011480, OMIM 604717.
Baraitser-winter syndrome 2. Identifiers: Orphanet 2995, MedGen C3281235, MONDO:0013812, OMIM 614583.

Submissions (2):

Labcorp Genetics (formerly Invitae), Labcorp
Classification: Uncertain significance for Baraitser-winter syndrome 2; Autosomal dominant nonsyndromic hearing loss 20. Last evaluated: 2023-05-25. Review status: criteria provided, single submitter. Criteria: Invitae Variant Classification Sherloc (09022015). Collection method: clinical testing. Allele origin: germline.
Comment: This variant has not been reported in the literature in individuals affected with ACTG1-related conditions. In summary, the available evidence is currently insufficient to determine the role of this variant in disease. Therefore, it has been classified as a Variant of Uncertain Significance. Advanced modeling of protein sequence and biophysical properties (such as structural, functional, and spatial information, amino acid conservation, physicochemical variation, residue mobility, and thermodynamic stability) performed at Invitae indicates that this missense variant is not expected to disrupt ACTG1 protein function. This variant is not present in population databases (gnomAD no frequency). This sequence change replaces aspartic acid, which is acidic and polar, with valine, which is neutral and non-polar, at codon 311 of the ACTG1 protein (p.Asp311Val).

GeneDx
Classification: Uncertain significance. Last evaluated: 2023-03-27. Review status: criteria provided, single submitter. Criteria: GeneDx Variant Classification Process June 2021. Collection method: clinical testing. Allele origin: germline. Affected: yes.
Comment: Not observed at significant frequency in large population cohorts (gnomAD); Missense variants in this gene are often considered pathogenic (HGMD); In silico analysis supports that this missense variant has a deleterious effect on protein structure/function; Has not been previously published as pathogenic or benign to our knowledge